The following is an entry in ClinVar:

ClinVar aggregate classification (germline): Pathogenic (1 of 4 stars; one submission).

Submission:

GeneDx
Classification: Pathogenic. Last evaluated: 2023-07-12. Review status: criteria provided, single submitter. Criteria: GeneDx Variant Classification Process June 2021. Collection method: clinical testing. Allele origin: germline. Affected: yes.
Comment: Frameshift variant predicted to result in protein truncation or nonsense mediated decay in a gene for which loss of function is a known mechanism of disease; Not observed at significant frequency in large population cohorts (gnomAD); Has not been previously published as pathogenic or benign to our knowledge

NM_001197104.2(KMT2A):c.126del (p.Pro45fs)

Gene: KMT2A (lysine methyltransferase 2A; plus strand). Cytogenetic location: 11q23.3.
Variant type: Deletion.
Coding change: c.126del on transcript NM_001197104.2 (MANE Select); coding-DNA position 126, one base deleted (C; older notation c.126delC).
Protein change: p.Pro45fs; shifts the reading frame from proline 45.
Molecular consequence: frameshift variant.
Genome position (GRCh38, 1-based): chr11:118,436,638, C deleted; the last of 6 consecutive C bases (chr11:118,436,633-118,436,638); deleting any one gives the same sequence. VCF-style (leftmost placement, unchanged base first): chr11-118436632-TC-T. GRCh37 (hg19) VCF-style: chr11-118307347-TC-T.
Other names: c.126delC, p.Pro45Argfs (NM_001197104.1); c.126del, p.Pro45fs (NM_001412597.1, NM_005933.4); short protein forms P45fs.
Identifiers: ClinVar variation 2573843 (VCV002573843.1), dbSNP rs2497097795, ClinGen allele CA2580615077.